The following is an entry in ClinVar:

ClinVar aggregate classification (germline): Uncertain significance (1 of 4 stars; one submission).

Conditions:
Hereditary spastic paraplegia 2 (SPG2). Also called: Spastic Paraplegia 2 (SPG2); SPASTIC PARAPLEGIA 2, X-LINKED. Identifiers: Orphanet 99015, MedGen C0751604, MONDO:0010733, OMIM 312920.

Submission:

Labcorp Genetics (formerly Invitae), Labcorp
Classification: Uncertain significance for Hereditary spastic paraplegia 2. Last evaluated: 2020-08-11. Review status: criteria provided, single submitter. Criteria: Invitae Variant Classification Sherloc (09022015). Collection method: clinical testing. Allele origin: germline.
Comment: This variant is not present in population databases (ExAC no frequency). In summary, the available evidence is currently insufficient to determine the role of this variant in disease. Therefore, it has been classified as a Variant of Uncertain Significance. Algorithms developed to predict the effect of missense changes on protein structure and function are either unavailable or do not agree on the potential impact of this missense change (SIFT: "Not Available"; PolyPhen-2: "Probably Damaging"; Align-GVGD: "Not Available"). This variant has not been reported in the literature in individuals with PLP1-related conditions. This sequence change replaces glycine with serine at codon 221 of the PLP1 protein (p.Gly221Ser). The glycine residue is highly conserved and there is a small physicochemical difference between glycine and serine.

NM_000533.5(PLP1):c.661G>A (p.Gly221Ser)

Genes: PLP1 (proteolipid protein 1; plus strand), RAB9B (RAB9B, member RAS oncogene family; minus strand). Cytogenetic location: Xq22.2.
Variant type: single nucleotide variant.
Coding change: c.661G>A on transcript NM_000533.5 (MANE Select); coding-DNA position 661, G replaced by A.
Protein change: p.Gly221Ser; replaces glycine 221 with serine.
Molecular consequence: missense variant.
Genome position (GRCh38, 1-based): chrX:103,788,475, G>A. VCF-style: chrX-103788475-G-A. GRCh37 (hg19) VCF-style: chrX-103043404-G-A.
Other names: c.661G>A, p.Gly221Ser (NM_001128834.3); c.496G>A, p.Gly166Ser (NM_001305004.1); c.556G>A, p.Gly186Ser (NM_199478.3); short protein forms G166S, G186S, G221S.
Identifiers: ClinVar variation 1001821 (VCV001001821.7), dbSNP rs132630286, ClinGen allele CA414104335.